The following is an entry in ClinVar:

NM_080605.4(B3GALT6):c.199C>T (p.Pro67Ser)

Gene: B3GALT6 (beta-1,3-galactosyltransferase 6; plus strand). Cytogenetic location: 1p36.33.
Variant type: single nucleotide variant.
Coding change: c.199C>T on transcript NM_080605.4 (MANE Select); coding-DNA position 199, C replaced by T.
Protein change: p.Pro67Ser; replaces proline 67 with serine.
Molecular consequence: missense variant.
Genome position (GRCh38, 1-based): chr1:1,232,477, C>T. VCF-style: chr1-1232477-C-T. GRCh37 (hg19) VCF-style: chr1-1167857-C-T.
Other names: short protein forms P67S.
Identifiers: ClinVar variation 2086466 (VCV002086466.4), dbSNP rs2521963125, ClinGen allele CA337823419.

ClinVar aggregate classification (germline): Uncertain significance (1 of 4 stars; one submission).

Conditions:
Ehlers-Danlos syndrome, spondylodysplastic type, 2 (EDSSPD2). Also called: Ehlers-Danlos syndrome, progeroid type, 2. Identifiers: Orphanet 536467, Orphanet 75496, MedGen C3809210, MONDO:0014139, OMIM 615349.
Spondyloepimetaphyseal dysplasia with joint laxity (SEMDJL). Identifiers: MedGen C0432243, MONDO:0019675.

Allele frequency attached by ClinVar (database versions not stated): gnomAD exomes below 0.00001.

Submission:

Labcorp Genetics (formerly Invitae), Labcorp
Classification: Uncertain significance for Ehlers-Danlos syndrome, spondylodysplastic type, 2; Spondyloepimetaphyseal dysplasia with joint laxity. Last evaluated: 2022-06-01. Review status: criteria provided, single submitter. Criteria: Invitae Variant Classification Sherloc (09022015). Collection method: clinical testing. Allele origin: germline.
Comment: In summary, the available evidence is currently insufficient to determine the role of this variant in disease. Therefore, it has been classified as a Variant of Uncertain Significance. This variant disrupts the p.Pro67 amino acid residue in B3GALT6. Other variant(s) that disrupt this residue have been determined to be pathogenic (PMID: 23664117, 24766538). This suggests that this residue is clinically significant, and that variants that disrupt this residue are likely to be disease-causing. Algorithms developed to predict the effect of missense changes on protein structure and function are either unavailable or do not agree on the potential impact of this missense change (SIFT: "Deleterious"; PolyPhen-2: "Possibly Damaging"; Align-GVGD: "Class C0"). This variant has not been reported in the literature in individuals affected with B3GALT6-related conditions. The frequency data for this variant in the population databases is considered unreliable, as metrics indicate insufficient coverage at this position in the gnomAD database. This sequence change replaces proline, which is neutral and non-polar, with serine, which is neutral and polar, at codon 67 of the B3GALT6 protein (p.Pro67Ser).

Literature cited by the submitters: PubMed 23664117; PubMed 24766538.